The following is an entry in ClinVar:

ClinVar aggregate classification (germline): Uncertain significance. Review status: criteria provided, multiple submitters, no conflicts (2 of 4 stars). 2 submissions from 2 submitters: Uncertain significance (2). Last evaluated 2025-09-08.

Allele frequency attached by ClinVar (database versions not stated): gnomAD exomes below 0.00001; ExAC 0.00002.
gnomAD v4.1: 5 of 1,614,038 alleles (0.00031%); highest among the groups gnomAD compares: East Asian, 0.0022%; no homozygotes.

Submissions (2):

Labcorp Genetics (formerly Invitae), Labcorp
Classification: Uncertain significance. Last evaluated: 2025-09-08. Review status: criteria provided, single submitter. Criteria: Invitae Variant Classification Sherloc (09022015). Collection method: clinical testing. Allele origin: germline.
Comment: This sequence change replaces arginine, which is basic and polar, with histidine, which is basic and polar, at codon 48 of the ELOVL1 protein (p.Arg48His). The frequency data for this variant in the population databases is considered unreliable, as metrics indicate poor data quality at this position in the gnomAD database. This variant has not been reported in the literature in individuals affected with ELOVL1-related conditions. ClinVar contains an entry for this variant (Variation ID: 2095158). Invitae Evidence Modeling of protein sequence and biophysical properties (such as structural, functional, and spatial information, amino acid conservation, physicochemical variation, residue mobility, and thermodynamic stability) indicates that this missense variant is not expected to disrupt ELOVL1 protein function with a negative predictive value of 80%. In summary, the available evidence is currently insufficient to determine the role of this variant in disease. Therefore, it has been classified as a Variant of Uncertain Significance.

Ambry Genetics
Classification: Uncertain significance. Last evaluated: 2024-11-13. Review status: criteria provided, single submitter. Criteria: Ambry Variant Classification Scheme 2023. Collection method: clinical testing. Allele origin: germline.

NM_022821.4(ELOVL1):c.143G>A (p.Arg48His)

Gene: ELOVL1 (ELOVL fatty acid elongase 1; minus strand). Cytogenetic location: 1p34.2.
Variant type: single nucleotide variant.
Coding change: c.143G>A on transcript NM_022821.4 (MANE Select); coding-DNA position 143, G replaced by A.
Protein change: p.Arg48His; replaces arginine 48 with histidine.
Molecular consequence: missense variant. On other transcripts: non-coding transcript variant (1), intron variant (1).
Genome position (GRCh38, 1-based): chr1:43,365,280, C>T on the plus strand (G>A on the coding strand, the complement: ELOVL1 is on the minus strand). VCF-style: chr1-43365280-C-T. GRCh37 (hg19) VCF-style: chr1-43830951-C-T.
Other names: c.143G>A (NM_022821.2); c.143G>A, p.Arg48His (NM_001256399.2, NM_001256401.2); c.-6-272G>A (NM_001256402.2); short protein forms R48H.
Identifiers: ClinVar variation 2095158 (VCV002095158.5), dbSNP rs754465886, ClinGen allele CA807689.
Genomic context (GRCh38, chr1:43,365,280, plus strand): 5'-GAGAAGTTGTAGACAATCATGAAGCCACGGAGCTGGAAGGGCTTCCGATTAGCCATGATG[C>T]GAGGCCCAAGTGAGAGAACGAAGTACACGTAGGTCAGGAGAATGGAGGTCATTAGCAAGG-3'
Protein context (NP_073732.1, residues 38-58): YVYFVLSLGP[Arg48His]IMANRKPFQL